The following is an entry in ClinVar:

NM_000455.5(STK11):c.452G>T (p.Cys151Phe)

Gene: STK11 (serine/threonine kinase 11; plus strand). Cytogenetic location: 19p13.3.
Variant type: single nucleotide variant.
Coding change: c.452G>T on transcript NM_000455.5 (MANE Select); coding-DNA position 452, G replaced by T.
Protein change: p.Cys151Phe; replaces cysteine 151 with phenylalanine.
Molecular consequence: missense variant. On other transcripts: non-coding transcript variant (1).
Genome position (GRCh38, 1-based): chr19:1,219,401, G>T. VCF-style: chr19-1219401-G-T. GRCh37 (hg19) VCF-style: chr19-1219400-G-T.
Other names: c.452G>T, p.Cys151Phe (NM_001407255.1); short protein forms C151F.
Identifiers: ClinVar variation 2771167 (VCV002771167.3), dbSNP rs2512940491, ClinGen allele CA402948364.

ClinVar aggregate classification (germline): Uncertain significance (1 of 4 stars; one submission).

Conditions:
Peutz-Jeghers syndrome (PJS). Also called: POLYPOSIS, HAMARTOMATOUS INTESTINAL; POLYPS-AND-SPOTS SYNDROME; Peutz-Jeghers polyposis; Periorificial lentiginosis syndrome. Identifiers: Orphanet 2869, MedGen C0031269, MeSH D010580, MONDO:0008280, OMIM 175200.

Submission:

Labcorp Genetics (formerly Invitae), Labcorp
Classification: Uncertain significance for Peutz-Jeghers syndrome. Last evaluated: 2023-10-23. Review status: criteria provided, single submitter. Criteria: Invitae Variant Classification Sherloc (09022015). Collection method: clinical testing. Allele origin: germline.
Comment: This sequence change replaces cysteine, which is neutral and slightly polar, with phenylalanine, which is neutral and non-polar, at codon 151 of the STK11 protein (p.Cys151Phe). This variant is not present in population databases (gnomAD no frequency). This variant has not been reported in the literature in individuals affected with STK11-related conditions. Advanced modeling of protein sequence and biophysical properties (such as structural, functional, and spatial information, amino acid conservation, physicochemical variation, residue mobility, and thermodynamic stability) performed at Invitae indicates that this missense variant is not expected to disrupt STK11 protein function. In summary, the available evidence is currently insufficient to determine the role of this variant in disease. Therefore, it has been classified as a Variant of Uncertain Significance.